The following is an entry in ClinVar:

NM_005994.4(TBX2):c.240G>A (p.Leu80=)

Gene: TBX2 (T-box transcription factor 2; plus strand). Cytogenetic location: 17q23.2.
Variant type: single nucleotide variant.
Coding change: c.240G>A on transcript NM_005994.4 (MANE Select); coding-DNA position 240, G replaced by A.
Protein change: p.Leu80=; no amino-acid change (leucine 80 retained).
Molecular consequence: synonymous variant.
Genome position (GRCh38, 1-based): chr17:61,400,416, G>A. VCF-style: chr17-61400416-G-A. GRCh37 (hg19) VCF-style: chr17-59477777-G-A.
Identifiers: ClinVar variation 3046311 (VCV003046311.3), dbSNP rs776946008, ClinGen allele CA8689052.

ClinVar aggregate classification (germline): Likely benign. Review status: criteria provided, single submitter (1 of 4 stars). 2 submissions from 2 submitters: Likely benign (1). 1 of the submissions does not count toward it. Last evaluated 2024-10-09.

Conditions:
TBX2-related disorder. Also called: TBX2-related condition.

Allele frequency attached by ClinVar (database versions not stated): TOPMed 0.00009; gnomAD 0.00014; ExAC 0.00023; 1000 Genomes Project 30x 0.00047.

Submissions (2):

Blueprint Genetics
Classification: Likely benign. Last evaluated: 2024-10-09. Review status: criteria provided, single submitter. Criteria: ACMG Guidelines, 2015. Collection method: clinical testing. Allele origin: germline.

PreventionGenetics, part of Exact Sciences
Classification: Likely benign for TBX2-related condition. Last evaluated: 2021-02-15. Review status: no assertion criteria provided. Collection method: clinical testing. Allele origin: germline. Not counted in ClinVar's aggregate classification.
Comment: This variant is classified as likely benign based on ACMG/AMP sequence variant interpretation guidelines (Richards et al. 2015 PMID: 25741868, with internal and published modifications).